The following is an entry in ClinVar:

NM_001374353.1(GLI2):c.2600C>T (p.Ala867Val)

Gene: GLI2 (GLI family zinc finger 2; plus strand). Cytogenetic location: 2q14.2.
Variant type: single nucleotide variant.
Coding change: c.2600C>T on transcript NM_001374353.1 (MANE Select); coding-DNA position 2600, C replaced by T.
Protein change: p.Ala867Val; replaces alanine 867 with valine.
Molecular consequence: missense variant.
Genome position (GRCh38, 1-based): chr2:120,988,565, C>T. VCF-style: chr2-120988565-C-T. GRCh37 (hg19) VCF-style: chr2-121746141-C-T.
Other names: c.2651C>T, p.Ala884Val (NM_001371271.1, NM_005270.5); c.2225C>T, p.Ala742Val (NM_001374354.1); short protein forms A742V, A867V, A884V.
Identifiers: ClinVar variation 1315086 (VCV001315086.2), dbSNP rs1485605591, ClinGen allele CA348168485.

ClinVar aggregate classification (germline): Uncertain significance (1 of 4 stars; one submission).

Allele frequency attached by ClinVar (database versions not stated): gnomAD exomes 0.00001.
gnomAD v4.1: 11 of 1,497,472 alleles (0.00073%); highest among the groups gnomAD compares: Non-Finnish European, 0.00097%; no homozygotes.

Submission:

GeneDx
Classification: Uncertain significance. Last evaluated: 2020-03-06. Review status: criteria provided, single submitter. Criteria: GeneDx Variant Classification Process June 2021. Collection method: clinical testing. Allele origin: germline. Affected: yes.
Comment: Not observed at a significant frequency in large population cohorts (Lek et al., 2016); In silico analysis supports that this missense variant has a deleterious effect on protein structure/function; Has not been previously published as pathogenic or benign to our knowledge